The following is an entry in ClinVar:

NM_206933.4(USH2A):c.14965_14968dup (p.Thr4990fs)

Gene: USH2A (usherin; minus strand). Cytogenetic location: 1q41.
Variant type: Duplication.
Coding change: c.14965_14968dup on transcript NM_206933.4 (MANE Select); coding-DNA positions 14965 to 14968, 4 bases duplicated (AAAA; older notation c.14965_14968dupAAAA).
Protein change: p.Thr4990fs; shifts the reading frame from threonine 4990.
Molecular consequence: frameshift variant.
Genome position (GRCh38, 1-based): chr1:215,640,558-215,640,561, TTTT duplicated on the plus strand (AAAA on the coding strand, the reverse complement: USH2A is on the minus strand). VCF-style (leftmost placement, unchanged base first): chr1-215640557-C-CTTTT. GRCh37 (hg19) VCF-style: chr1-215813899-C-CTTTT.
Other names: c.14965_14968dupAAAA (NM_206933.2); short protein forms T4990fs.
Identifiers: ClinVar variation 554779 (VCV000554779.3), dbSNP rs781625683, ClinGen allele CA658822633.
Genomic context (GRCh38, chr1:215,640,557, plus strand): 5'-ATCCCGTAAAGCTGGGGAACAGAGCGCCTTCCACACTGAGAAACAGGAGTCAGAAACTAA[C>CTTTT]TTTTGTCCGCCGTTCTCGGTATGTAGAGGGTGGTGTCCAAGCCGCTGTACACGCGTCGCC-3'

ClinVar aggregate classification (germline): Likely pathogenic. Review status: criteria provided, single submitter (1 of 4 stars). 2 submissions from 2 submitters: Likely pathogenic (1). 1 of the submissions does not count toward it. Last evaluated 2024-04-24.

Conditions:
Retinitis pigmentosa 39 (RP39). Identifiers: Orphanet 791, MedGen C3151138, MONDO:0013436, OMIM 613809.
Usher syndrome type 2A. Also called: RETINAL DISEASE IN USHER SYNDROME TYPE IIA, MODIFIER OF; USHER SYNDROME, TYPE IIA. Identifiers: Orphanet 231178, Orphanet 886, MedGen C1848634, MONDO:0010169, OMIM 276901.

Submissions (2):

Natera, Inc.
Classification: Likely pathogenic for Usher syndrome type 2A. Last evaluated: 2024-04-24. Review status: criteria provided, single submitter. Criteria: Natera Variant Classification Schema (03/2026). Collection method: clinical testing. Allele origin: germline.
Comment: The c.14965_14968dupAAAA variant in USH2A is a frameshift variant predicted to shift the reading frame beginning at codon 4990 and leads to a stop codon 12 codons downstream. This variant is expected to result in nonsense mediated decay, truncation, or a dysfunctional protein product. This variant is rare in the general population with a frequency below the threshold expected for the associated phenotype(s). Given the available evidence, this variant is classified as Likely Pathogenic.

Counsyl
Classification: Likely pathogenic for Usher syndrome type 2A; Retinitis pigmentosa 39. Last evaluated: 2017-11-02. Review status: no assertion criteria provided. Collection method: clinical testing. Allele origin: unknown. Not counted in ClinVar's aggregate classification.